The following is an entry in ClinVar:

NM_138927.4(SON):c.968C>T (p.Ser323Leu)

Gene: SON (SON DNA and RNA binding protein; plus strand). Cytogenetic location: 21q22.11.
Variant type: single nucleotide variant.
Coding change: c.968C>T on transcript NM_138927.4 (MANE Select); coding-DNA position 968, C replaced by T.
Protein change: p.Ser323Leu; replaces serine 323 with leucine.
Molecular consequence: missense variant. On other transcripts: non-coding transcript variant (1), intron variant (1).
Genome position (GRCh38, 1-based): chr21:33,550,199, C>T. VCF-style: chr21-33550199-C-T. GRCh37 (hg19) VCF-style: chr21-34922505-C-T.
Other names: c.968C>T, p.Ser323Leu (NM_001291411.2, NM_032195.3); c.244+3820C>T (NM_001291412.3); short protein forms S323L.
Identifiers: ClinVar variation 5002477 (VCV005002477.1).
Genomic context (GRCh38, chr21:33,550,199, plus strand): 5'-CAGAAACCCTTGTGGTATCATCAGAGACACCTACTGAGGTGTACCCTGAGCCAAGCACAT[C>T]AACAACAATGGATTTTCCAGAGTCATCTGCAATTGAAGCGCTAAGATTGCCAGAGCAGCC-3'
Protein context (NP_620305.3, residues 313-333): PTEVYPEPST[Ser323Leu]TTMDFPESSA

ClinVar aggregate classification (germline): Uncertain significance (1 of 4 stars; one submission).

Conditions:
SON-related disorder. Also called: SON-related condition.

Submission:

PreventionGenetics, part of Exact Sciences
Classification: Uncertain significance for SON-related condition. Last evaluated: 2025-04-07. Review status: criteria provided, single submitter. Criteria: ACMG Guidelines, 2015. Collection method: clinical testing. Allele origin: germline.
Comment: The SON c.968C>T variant is predicted to result in the amino acid substitution p.Ser323Leu. To our knowledge, this variant has not been reported in the literature or in a large population database (gnomAD), indicating this variant is rare. At this time, the clinical significance of this variant is uncertain due to the absence of conclusive functional and genetic evidence.